The following is an entry in ClinVar:

ClinVar aggregate classification (germline): Conflicting classifications of pathogenicity. Review status: criteria provided, conflicting classifications (1 of 4 stars). 2 submissions from 2 submitters: Likely pathogenic (1); Uncertain significance (1). Last evaluated 2026-06-29.

Conditions:
Renal carnitine transport defect (CDSP). Also called: Systemic primary carnitine deficiency disease; Systemic primary carnitine deficiency; CARNITINE DEFICIENCY, SYSTEMIC, DUE TO DEFECT IN RENAL REABSORPTION OF CARNITINE; CARNITINE TRANSPORTER, PLASMA-MEMBRANE, DEFICIENCY OF; CARNITINE UPTAKE DEFECT; Primary carnitine deficiency. Identifiers: Orphanet 158, MedGen C0342788, MONDO:0008919, OMIM 212140.

Submissions (2):

Myriad Genetics, Inc.
Classification: Uncertain significance for Renal carnitine transport defect. Last evaluated: 2026-06-29. Review status: criteria provided, single submitter. Criteria: Myriad Autosomal Dominant, Autosomal Recessive and X-Linked Classification Criteria (2023). Collection method: clinical testing. Allele origin: unknown.
Comment: NM_003060.3(SLC22A5):c.427C>T(P143S) is a missense variant classified as a variant of uncertain significance in the context of primary carnitine deficiency. P143S has not been observed in cases with relevant disease. Relevant functional assessments of this variant are not available in the literature. P143S has not been observed in referenced population frequency databases. In summary, there is insufficient evidence to classify NM_003060.3(SLC22A5):c.427C>T(P143S) as pathogenic or benign. Please note: this variant was assessed in the context of healthy population screening.

Labcorp Genetics (formerly Invitae), Labcorp
Classification: Likely pathogenic for Renal carnitine transport defect. Last evaluated: 2022-04-13. Review status: criteria provided, single submitter. Criteria: Invitae Variant Classification Sherloc (09022015). Collection method: clinical testing. Allele origin: germline.
Comment: This variant is not present in population databases (gnomAD no frequency). This sequence change replaces proline, which is neutral and non-polar, with serine, which is neutral and polar, at codon 143 of the SLC22A5 protein (p.Pro143Ser). This variant has not been reported in the literature in individuals affected with SLC22A5-related conditions. Advanced modeling of protein sequence and biophysical properties (such as structural, functional, and spatial information, amino acid conservation, physicochemical variation, residue mobility, and thermodynamic stability) performed at Invitae indicates that this missense variant is expected to disrupt SLC22A5 protein function. This variant disrupts the p.Pro143 amino acid residue in SLC22A5. Other variant(s) that disrupt this residue have been determined to be pathogenic (PMID: 20074989, 28753539, 30863740). This suggests that this residue is clinically significant, and that variants that disrupt this residue are likely to be disease-causing. In summary, the currently available evidence indicates that the variant is pathogenic, but additional data are needed to prove that conclusively. Therefore, this variant has been classified as Likely Pathogenic.

Literature cited by the submitters: PubMed 20074989 (cited by Labcorp Genetics (formerly Invitae), Labcorp); PubMed 28753539 (cited by Labcorp Genetics (formerly Invitae), Labcorp); PubMed 30863740 (cited by Labcorp Genetics (formerly Invitae), Labcorp).

NM_003060.4(SLC22A5):c.427C>T (p.Pro143Ser)

Gene: SLC22A5 (solute carrier family 22 member 5; plus strand). Cytogenetic location: 5q31.1.
Variant type: single nucleotide variant.
Coding change: c.427C>T on transcript NM_003060.4 (MANE Select); coding-DNA position 427, C replaced by T.
Protein change: p.Pro143Ser; replaces proline 143 with serine.
Molecular consequence: missense variant.
Genome position (GRCh38, 1-based): chr5:132,378,411, C>T. VCF-style: chr5-132378411-C-T. GRCh37 (hg19) VCF-style: chr5-131714103-C-T.
Other names: c.499C>T, p.Pro167Ser (NM_001308122.2); short protein forms P167S, P143S.
Identifiers: ClinVar variation 1944492 (VCV001944492.6), dbSNP rs2532106520, ClinGen allele CA360803550.